The following is an entry in ClinVar:

NM_005751.5(AKAP9):c.8865G>A (p.Met2955Ile)

Gene: AKAP9 (A-kinase anchoring protein 9; plus strand). Cytogenetic location: 7q21.2.
Variant type: single nucleotide variant.
Coding change: c.8865G>A on transcript NM_005751.5 (MANE Select); coding-DNA position 8865, G replaced by A.
Protein change: p.Met2955Ile; replaces methionine 2955 with isoleucine.
Molecular consequence: missense variant.
Genome position (GRCh38, 1-based): chr7:92,085,527, G>A. VCF-style: chr7-92085527-G-A. GRCh37 (hg19) VCF-style: chr7-91714841-G-A.
Other names: c.3510G>A, p.Met1170Ile (NM_001379277.1); c.8841G>A, p.Met2947Ile (NM_147185.3); short protein forms M2947I, M1170I, M2955I.
Identifiers: ClinVar variation 3517126 (VCV003517126.1).

ClinVar aggregate classification (germline): Uncertain significance (1 of 4 stars; one submission).

Conditions:
Cardiovascular phenotype. Identifiers: MedGen CN230736.

Submission:

Ambry Genetics
Classification: Uncertain significance for Cardiovascular phenotype. Last evaluated: 2024-11-02. Review status: criteria provided, single submitter. Criteria: Ambry Variant Classification Scheme 2023. Collection method: clinical testing. Allele origin: germline.
Comment: The p.M2955I variant (also known as c.8865G>A), located in coding exon 36 of the AKAP9 gene, results from a G to A substitution at nucleotide position 8865. The methionine at codon 2955 is replaced by isoleucine, an amino acid with highly similar properties. This amino acid position is conserved. In addition, this alteration is predicted to be tolerated by in silico analysis. Based on the available evidence, the clinical significance of this variant remains unclear.